The following is an entry in ClinVar:

NM_006790.3(MYOT):c.424A>G (p.Ile142Val)

Genes: PKD2L2-DT (PKD2L2 divergent transcript; minus strand), MYOT (myotilin; plus strand). Cytogenetic location: 5q31.2.
Variant type: single nucleotide variant.
Coding change: c.424A>G on transcript NM_006790.3 (MANE Select); coding-DNA position 424, A replaced by G.
Protein change: p.Ile142Val; replaces isoleucine 142 with valine.
Molecular consequence: missense variant. On other transcripts: 5 prime UTR variant (1).
Genome position (GRCh38, 1-based): chr5:137,875,896, A>G. VCF-style: chr5-137875896-A-G. GRCh37 (hg19) VCF-style: chr5-137211585-A-G.
Other names: c.-129A>G (NM_001135940.2); c.79A>G, p.Ile27Val (NM_001300911.2); short protein forms I142V, I27V.
Identifiers: ClinVar variation 1367376 (VCV001367376.10), dbSNP rs771238896, ClinGen allele CA361054052.

ClinVar aggregate classification (germline): Uncertain significance. Review status: criteria provided, multiple submitters, no conflicts (2 of 4 stars). 2 submissions from 2 submitters: Uncertain significance (2). Last evaluated 2025-01-27.

Conditions:
Myofibrillar myopathy 3 (MFM3). Also called: Muscular dystrophy, proximal, type 1A; Autosomal dominant spheroid body myopathy. Identifiers: Orphanet 266, Orphanet 268129, MedGen C3714934, MONDO:0012215, OMIM 609200.

Allele frequency attached by ClinVar (database versions not stated): gnomAD 0.00001; TOPMed 0.00001.
gnomAD v4.1: 1 of 1,614,132 alleles (0.000062%); highest among the groups gnomAD compares: Non-Finnish European, 0.000085%; no homozygotes.

Submissions (2):

Labcorp Genetics (formerly Invitae), Labcorp
Classification: Uncertain significance for Myofibrillar myopathy 3. Last evaluated: 2025-01-27. Review status: criteria provided, single submitter. Criteria: Invitae Variant Classification Sherloc (09022015). Collection method: clinical testing. Allele origin: germline.
Comment: This sequence change replaces isoleucine, which is neutral and non-polar, with valine, which is neutral and non-polar, at codon 142 of the MYOT protein (p.Ile142Val). This variant is not present in population databases (gnomAD no frequency). This variant has not been reported in the literature in individuals affected with MYOT-related conditions. ClinVar contains an entry for this variant (Variation ID: 1367376). Invitae Evidence Modeling of protein sequence and biophysical properties (such as structural, functional, and spatial information, amino acid conservation, physicochemical variation, residue mobility, and thermodynamic stability) indicates that this missense variant is not expected to disrupt MYOT protein function with a negative predictive value of 80%. In summary, the available evidence is currently insufficient to determine the role of this variant in disease. Therefore, it has been classified as a Variant of Uncertain Significance.

Revvity Omics, Revvity
Classification: Uncertain significance for Myofibrillar myopathy 3. Last evaluated: 2022-07-01. Review status: criteria provided, single submitter. Criteria: ACMG Guidelines, 2015. Collection method: clinical testing. Allele origin: germline.